The following is an entry in ClinVar:

NM_001044.5(SLC6A3):c.432G>A (p.Thr144=)

Gene: SLC6A3 (solute carrier family 6 member 3). Cytogenetic location: 5p15.33.
Variant type: single nucleotide variant.
Coding change: c.432G>A on transcript NM_001044.5 (MANE Select); coding-DNA position 432, G replaced by A.
Protein change: p.Thr144=; no amino-acid change (threonine 144 retained).
Molecular consequence: synonymous variant.
Genome position (GRCh38, 1-based): chr5:1,432,685, C>T on the plus strand (G>A on the coding strand, the complement: SLC6A3 is on the minus strand). VCF-style: chr5-1432685-C-T. GRCh37 (hg19) VCF-style: chr5-1432800-C-T.
Other names: c.432G>A (NM_001044.4).
Identifiers: ClinVar variation 2889973 (VCV002889973.4), dbSNP rs771719912, ClinGen allele CA3186366.

ClinVar aggregate classification (germline): Likely benign. Review status: criteria provided, multiple submitters, no conflicts (2 of 4 stars). 2 submissions from 2 submitters: Likely benign (2). Last evaluated 2025-05-22.

Conditions:
Parkinsonism-dystonia, infantile. Identifiers: Orphanet 238455, MedGen C2751067, MONDO:0013150.
SLC6A3-related disorder. Also called: SLC6A3-related condition.

gnomAD v4.1: 21 of 1,613,922 alleles (0.0013%); highest among the groups gnomAD compares: South Asian, 0.0077%; no homozygotes.

Submissions (2):

PreventionGenetics, part of Exact Sciences
Classification: Likely benign for SLC6A3-related condition. Last evaluated: 2025-05-22. Review status: criteria provided, single submitter. Criteria: ACMG Guidelines, 2015. Collection method: clinical testing. Allele origin: germline.
Comment: This variant is classified as likely benign based on ACMG/AMP sequence variant interpretation guidelines (Richards et al. 2015 PMID: 25741868, with internal and published modifications).

Labcorp Genetics (formerly Invitae), Labcorp
Classification: Likely benign for Parkinsonism-dystonia, infantile. Last evaluated: 2024-03-19. Review status: criteria provided, single submitter. Criteria: Invitae Variant Classification Sherloc (09022015). Collection method: clinical testing. Allele origin: germline.